The following is an entry in ClinVar:

ClinVar aggregate classification (germline): Uncertain significance (1 of 4 stars; one submission).

Conditions:
Catecholaminergic polymorphic ventricular tachycardia 1. Also called: VENTRICULAR TACHYCARDIA, STRESS-INDUCED POLYMORPHIC 1; VENTRICULAR TACHYCARDIA, CATECHOLAMINERGIC POLYMORPHIC, 1, WITH OR WITHOUT ATRIAL DYSFUNCTION AND/OR DILATED CARDIOMYOPATHY; RYR2-Related Catecholaminergic Polymorphic Ventricular Tachycardia. Identifiers: Orphanet 3286, MedGen C1631597, MONDO:0011484, OMIM 604772.

Submission:

Labcorp Genetics (formerly Invitae), Labcorp
Classification: Uncertain significance for Catecholaminergic polymorphic ventricular tachycardia 1. Last evaluated: 2025-06-18. Review status: criteria provided, single submitter. Criteria: Invitae Variant Classification Sherloc (09022015). Collection method: clinical testing. Allele origin: germline.
Comment: This sequence change replaces methionine, which is neutral and non-polar, with leucine, which is neutral and non-polar, at codon 393 of the RYR2 protein (p.Met393Leu). This variant is not present in population databases (gnomAD no frequency). This variant has not been reported in the literature in individuals affected with RYR2-related conditions. ClinVar contains an entry for this variant (Variation ID: 2746642). Invitae Evidence Modeling of protein sequence and biophysical properties (such as structural, functional, and spatial information, amino acid conservation, physicochemical variation, residue mobility, and thermodynamic stability) indicates that this missense variant is not expected to disrupt RYR2 protein function with a negative predictive value of 95%. In summary, the available evidence is currently insufficient to determine the role of this variant in disease. Therefore, it has been classified as a Variant of Uncertain Significance.

NM_001035.3(RYR2):c.1177A>T (p.Met393Leu)

Gene: RYR2 (ryanodine receptor 2; plus strand). Cytogenetic location: 1q43.
Variant type: single nucleotide variant.
Coding change: c.1177A>T on transcript NM_001035.3 (MANE Select); coding-DNA position 1177, A replaced by T.
Protein change: p.Met393Leu; replaces methionine 393 with leucine.
Molecular consequence: missense variant.
Genome position (GRCh38, 1-based): chr1:237,445,407, A>T. VCF-style: chr1-237445407-A-T. GRCh37 (hg19) VCF-style: chr1-237608707-A-T.
Other names: short protein forms M393L.
Identifiers: ClinVar variation 2746642 (VCV002746642.3), dbSNP rs2150165985, ClinGen allele CA345377337.